The following is an entry in ClinVar:

ClinVar aggregate classification (germline): Uncertain significance (1 of 4 stars; one submission).

Conditions:
Hereditary cancer-predisposing syndrome. Also called: Neoplastic Syndromes, Hereditary; Tumor predisposition; Hereditary Cancer Syndrome; Hereditary neoplastic syndrome. Identifiers: Orphanet 140162, MedGen C0027672, MeSH D009386, MONDO:0015356.

Submission:

Ambry Genetics
Classification: Uncertain significance for Hereditary cancer-predisposing syndrome. Last evaluated: 2025-08-12. Review status: criteria provided, single submitter. Criteria: Ambry Variant Classification Scheme 2023. Collection method: clinical testing. Allele origin: germline.
Comment: The p.N58T variant (also known as c.173A>C), located in coding exon 1 of the AXIN2 gene, results from an A to C substitution at nucleotide position 173. The asparagine at codon 58 is replaced by threonine, an amino acid with similar properties. This amino acid position is conserved. In addition, this alteration is predicted to be tolerated by in silico analysis. Based on the available evidence, the clinical significance of this variant remains unclear.

NM_004655.4(AXIN2):c.173A>C (p.Asn58Thr)

Gene: AXIN2 (axin 2; minus strand). Cytogenetic location: 17q24.1.
Variant type: single nucleotide variant.
Coding change: c.173A>C on transcript NM_004655.4 (MANE Select); coding-DNA position 173, A replaced by C.
Protein change: p.Asn58Thr; replaces asparagine 58 with threonine.
Molecular consequence: missense variant.
Genome position (GRCh38, 1-based): chr17:65,558,448, T>G on the plus strand (A>C on the coding strand, the complement: AXIN2 is on the minus strand). VCF-style: chr17-65558448-T-G. GRCh37 (hg19) VCF-style: chr17-63554566-T-G.
Other names: c.173A>C, p.Asn58Thr (NM_001363813.1); short protein forms N58T.
Identifiers: ClinVar variation 4188400 (VCV004188400.1).